The following is an entry in ClinVar:

ClinVar aggregate classification (germline): Pathogenic (1 of 4 stars; one submission).

Conditions:
Anterior segment dysgenesis. Also called: Ocular anterior segment dysgenesis. Identifiers: Orphanet 88632, MedGen C1862839, MONDO:0019503, HP:0007700.
Congenital primary aphakia. Also called: Anterior segment dysgenesis 2, multiple subtypes; ANTERIOR SEGMENT DYSGENESIS 2. Identifiers: Orphanet 83461, MedGen C1853230, MONDO:0012456, OMIM 610256.

Submission:

Labcorp Genetics (formerly Invitae), Labcorp
Classification: Pathogenic for Anterior segment dysgenesis; Congenital primary aphakia. Last evaluated: 2022-03-28. Review status: criteria provided, single submitter. Criteria: Invitae Variant Classification Sherloc (09022015). Collection method: clinical testing. Allele origin: germline.
Comment: This variant has not been reported in the literature in individuals affected with FOXE3-related conditions. For these reasons, this variant has been classified as Pathogenic. This variant disrupts a region of the FOXE3 protein in which other variant(s) (p.Cys240*) have been determined to be pathogenic (PMID: 16826526, 20140963, 24033328). This suggests that this is a clinically significant region of the protein, and that variants that disrupt it are likely to be disease-causing. This variant is not present in population databases (gnomAD no frequency). This sequence change creates a premature translational stop signal (p.Lys131_Gly140delins12*) in the FOXE3 gene. While this is not anticipated to result in nonsense mediated decay, it is expected to disrupt the last 189 amino acid(s) of the FOXE3 protein.

Literature cited by the submitters: PubMed 16826526; PubMed 20140963; PubMed 24033328.

NM_012186.3(FOXE3):c.393_419delinsCGGCCAGTGCTCCTTTATCCATGGGAGCTGGGAATAATCCCAGAGAGCAGACAACCTGCTGCTCAGATACATTCACACAAGTGTGTACACACACATGCCCAGCCCATCTCGTCTCTACCAGGCTGAGATGCAGGAGATGGCATTTGACTAGGCCTACTATGTGCACAGCTATGGCTGAATCACTTCCTTTTTAAAACAAAATTGTGTTAGCCACTAATCCTGCTGGAGAATCACTTCCTAATCCCATTTCATGAACTTCTGATTGATGTCTCACAAGGAGGTTCACCC (p.Lys131_Gly140delinsAsnGlyGlnCysSerPheIleHisGlySerTrpGluTer)

Genes: LINC01389 (long independently transcribed non-coding RNA 1389; minus strand), FOXE3 (forkhead box E3; plus strand). Cytogenetic location: 1p33.
Variant type: Indel.
Coding change: c.393_419delinsCGGCCAGTGCTCCTTTATCCATGGGAGCTGGGAATAATCCCAGAGAGCAGACAACCTGCTGCTCAGATACATTCACACAAGTGTGTACACACACATGCCCAGCCCATCTCGTCTCTACCAGGCTGAGATGCAGGAGATGGCATTTGACTAGGCCTACTATGTGCACAGCTATGGCTGAATCACTTCCTTTTTAAAACAAAATTGTGTTAGCCACTAATCCTGCTGGAGAATCACTTCCTAATCCCATTTCATGAACTTCTGATTGATGTCTCACAAGGAGGTTCACCC on transcript NM_012186.3 (MANE Select); coding-DNA positions 393 to 419, the reference bases replaced by an inserted sequence.
Protein change: p.Lys131_Gly140delinsAsnGlyGlnCysSerPheIleHisGlySerTrpGluTer.
Molecular consequence: nonsense.
Genome position (GRCh38, 1-based): chr1:47,416,708-47,416,734, 27 bases replaced. GRCh37 (hg19): chr1:47,882,380-47,882,406.
Identifiers: ClinVar variation 2118980 (VCV002118980.3), dbSNP rs2521317897, ClinGen allele CA2580062969.